The following is an entry in ClinVar:

NM_000046.5(ARSB):c.904G>C (p.Gly302Arg)

Gene: ARSB (arylsulfatase B; minus strand). Cytogenetic location: 5q14.1.
Variant type: single nucleotide variant.
Coding change: c.904G>C on transcript NM_000046.5 (MANE Select); coding-DNA position 904, G replaced by C.
Protein change: p.Gly302Arg; replaces glycine 302 with arginine.
Molecular consequence: missense variant.
Genome position (GRCh38, 1-based): chr5:78,885,822, C>G on the plus strand (G>C on the coding strand, the complement: ARSB is on the minus strand). VCF-style: chr5-78885822-C-G. GRCh37 (hg19) VCF-style: chr5-78181645-C-G.
Other names: c.904G>C, p.Gly302Arg (NM_198709.3); short protein forms G302R.
Identifiers: ClinVar variation 3385269 (VCV003385269.1).

ClinVar aggregate classification (germline): Pathogenic (1 of 4 stars; one submission).

Conditions:
Mucopolysaccharidosis type 6 (MPS6). Also called: MPS VI; MPS 6; Maroteaux Lamy syndrome; ARSB DEFICIENCY; ARYLSULFATASE B DEFICIENCY; N-ACETYLGALACTOSAMINE-4-SULFATASE DEFICIENCY. Identifiers: Orphanet 583, MedGen C0026709, MONDO:0009661, OMIM 253200.

gnomAD v4.1: 5 of 1,613,998 alleles (0.00031%); highest among the groups gnomAD compares: Admixed American, 0.0067%; no homozygotes.

Submission:

Women's Health and Genetics/Laboratory Corporation of America, LabCorp
Classification: Pathogenic for Mucopolysaccharidosis type 6. Last evaluated: 2024-10-16. Review status: criteria provided, single submitter. Criteria: LabCorp Variant Classification Summary - May 2015. Collection method: clinical testing. Allele origin: germline.
Comment: Variant summary: ARSB c.904G>C (p.Gly302Arg) results in a non-conservative amino acid change located in the Sulfatase, N-terminal domain (IPR000917) of the encoded protein sequence. Five of five in-silico tools predict a damaging effect of the variant on protein function. The variant allele was found at a frequency of 1.6e-05 in 250844 control chromosomes (gnomAD). p.Gly302Arg has been reported in the literature in multiple individuals affected with Mucopolysaccharidosis Type VI (Maroteaux-Lamy Syndrome) (e.g. Villani_1998, Scarpa_2010, Jurecka_2014, Fang_2022). These data indicate that the variant is very likely to be associated with disease. The following publications have been ascertained in the context of this evaluation (PMID: 34813777, 21791832, 10206678, 24221504). No submitters have cited clinical-significance assessments for this variant to ClinVar. Based on the evidence outlined above, the variant was classified as pathogenic.

Literature cited by the submitters: PubMed 34813777; PubMed 24221504; PubMed 21791832; PubMed 10206678.